The following is an entry in ClinVar:

ClinVar aggregate classification (germline): Conflicting classifications of pathogenicity. Review status: criteria provided, conflicting classifications (1 of 4 stars). 4 submissions from 4 submitters: Uncertain significance (3); Likely benign (1). Last evaluated 2025-07-15.

Conditions:
Hereditary breast ovarian cancer syndrome. Also called: Hereditary breast and ovarian cancer syndrome (HBOC); Breast and ovarian cancer; BRCA1- and BRCA2-Associated Hereditary Breast and Ovarian Cancer; Hereditary breast and/or ovarian cancer syndrome; Hereditary breast and ovarian cancer syndrome; Hereditary breast and ovarian cancer. Identifiers: Orphanet 145, MedGen C0677776, MeSH D061325, MONDO:0003582. Disease mechanism: loss of function.
Hereditary cancer-predisposing syndrome. Also called: Tumor predisposition; Hereditary neoplastic syndrome; Neoplastic Syndromes, Hereditary; Hereditary Cancer Syndrome. Identifiers: Orphanet 140162, MedGen C0027672, MeSH D009386, MONDO:0015356.

Submissions (4):

GeneDx
Classification: Uncertain significance. Last evaluated: 2025-07-15. Review status: criteria provided, single submitter. Criteria: GeneDx Variant Classification Process June 2021. Collection method: clinical testing. Allele origin: germline. Affected: yes.
Comment: Not observed at significant frequency in large population cohorts (gnomAD); In silico analysis suggests that this missense variant does not alter protein structure/function; Has not been previously published as pathogenic or benign to our knowledge; Also known as 1750A>G

University of Washington Department of Laboratory Medicine, University of Washington
Classification: Likely benign for Hereditary cancer-predisposing syndrome. Last evaluated: 2023-03-23. Review status: criteria provided, single submitter. Criteria: Dines et al. (Genet Med. 2020). Collection method: curation. Allele origin: germline.
Comment: Missense variant in a coldspot region where missense variants are very unlikely to be pathogenic (PMID:31911673).

BRCA2 exon 10 coldspot. Reclassification based on statistical prior probability.

Ambry Genetics
Classification: Uncertain significance for Hereditary cancer-predisposing syndrome. Last evaluated: 2023-01-03. Review status: criteria provided, single submitter. Criteria: Ambry Variant Classification Scheme 2023. Collection method: clinical testing. Allele origin: germline.
Comment: The p.I508V variant (also known as c.1522A>G), located in coding exon 9 of the BRCA2 gene, results from an A to G substitution at nucleotide position 1522. The isoleucine at codon 508 is replaced by valine, an amino acid with highly similar properties. This amino acid position is poorly conserved in available vertebrate species. In addition, this alteration is predicted to be tolerated by in silico analysis. Since supporting evidence is limited at this time, the clinical significance of this alteration remains unclear.

Labcorp Genetics (formerly Invitae), Labcorp
Classification: Uncertain significance for Hereditary breast ovarian cancer syndrome. Last evaluated: 2022-03-26. Review status: criteria provided, single submitter. Criteria: Invitae Variant Classification Sherloc (09022015). Collection method: clinical testing. Allele origin: germline.
Comment: This sequence change replaces isoleucine, which is neutral and non-polar, with valine, which is neutral and non-polar, at codon 508 of the BRCA2 protein (p.Ile508Val). In summary, the available evidence is currently insufficient to determine the role of this variant in disease. Therefore, it has been classified as a Variant of Uncertain Significance. Advanced modeling of protein sequence and biophysical properties (such as structural, functional, and spatial information, amino acid conservation, physicochemical variation, residue mobility, and thermodynamic stability) performed at Invitae indicates that this missense variant is not expected to disrupt BRCA2 protein function. ClinVar contains an entry for this variant (Variation ID: 819444). This variant has not been reported in the literature in individuals affected with BRCA2-related conditions. This variant is not present in population databases (gnomAD no frequency).

NM_000059.4(BRCA2):c.1522A>G (p.Ile508Val)

Gene: BRCA2 (BRCA2 DNA repair associated; plus strand). Cytogenetic location: 13q13.1.
Variant type: single nucleotide variant.
Coding change: c.1522A>G on transcript NM_000059.4 (MANE Select); coding-DNA position 1522, A replaced by G.
Protein change: p.Ile508Val; replaces isoleucine 508 with valine.
Molecular consequence: missense variant.
Genome position (GRCh38, 1-based): chr13:32,333,000, A>G. VCF-style: chr13-32333000-A-G. GRCh37 (hg19) VCF-style: chr13-32907137-A-G.
Other names: short protein forms I508V.
Identifiers: ClinVar variation 819444 (VCV000819444.12), dbSNP rs1593893116, ClinGen allele CA387764561.
Genomic context (GRCh38, chr13:32,333,000, plus strand): 5'-ATATCTGGAACTTCTCCAGTGGCTTCTTCATTTCAGGGTATCAAAAAGTCTATATTCAGA[A>G]TAAGAGAATCACCTAAAGAGACTTTCAATGCAAGTTTTTCAGGTCATATGACTGATCCAA-3'
Protein context (NP_000050.3, residues 498-518): FQGIKKSIFR[Ile508Val]RESPKETFNA